The following is an entry in ClinVar:

NM_024685.4(BBS10):c.455A>G (p.His152Arg)

Gene: BBS10 (Bardet-Biedl syndrome 10; minus strand). Cytogenetic location: 12q21.2.
Variant type: single nucleotide variant.
Coding change: c.455A>G on transcript NM_024685.4 (MANE Select); coding-DNA position 455, A replaced by G.
Protein change: p.His152Arg; replaces histidine 152 with arginine.
Molecular consequence: missense variant.
Genome position (GRCh38, 1-based): chr12:76,347,530, T>C on the plus strand (A>G on the coding strand, the complement: BBS10 is on the minus strand). VCF-style: chr12-76347530-T-C. GRCh37 (hg19) VCF-style: chr12-76741310-T-C.
Other names: short protein forms H152R.
Identifiers: ClinVar variation 2117737 (VCV002117737.4), dbSNP rs761766570, ClinGen allele CA6694339.

ClinVar aggregate classification (germline): Uncertain significance (1 of 4 stars; one submission).

Conditions:
Bardet-Biedl syndrome (BBS). Identifiers: Orphanet 110, MedGen C0752166, MONDO:0015229.

Allele frequency attached by ClinVar (database versions not stated): gnomAD exomes below 0.00001; TOPMed below 0.00001; ExAC 0.00002.
gnomAD v4.1: 2 of 1,613,666 alleles (0.00012%); highest among the groups gnomAD compares: Non-Finnish European, 0.000085%; no homozygotes.

Submission:

Labcorp Genetics (formerly Invitae), Labcorp
Classification: Uncertain significance for Bardet-Biedl syndrome. Last evaluated: 2023-02-20. Review status: criteria provided, single submitter. Criteria: Invitae Variant Classification Sherloc (09022015). Collection method: clinical testing. Allele origin: germline.
Comment: In summary, the available evidence is currently insufficient to determine the role of this variant in disease. Therefore, it has been classified as a Variant of Uncertain Significance. Advanced modeling of protein sequence and biophysical properties (such as structural, functional, and spatial information, amino acid conservation, physicochemical variation, residue mobility, and thermodynamic stability) performed at Invitae indicates that this missense variant is expected to disrupt BBS10 protein function. This variant has not been reported in the literature in individuals affected with BBS10-related conditions. This variant is present in population databases (rs761766570, gnomAD 0.002%). This sequence change replaces histidine, which is basic and polar, with arginine, which is basic and polar, at codon 152 of the BBS10 protein (p.His152Arg).